The following is an entry in ClinVar:

ClinVar aggregate classification (germline): Uncertain significance (1 of 4 stars; one submission).

Allele frequency attached by ClinVar (database versions not stated): gnomAD exomes 0.00001; TOPMed 0.00001.
gnomAD v4.1: 13 of 1,550,558 alleles (0.00084%); highest among the groups gnomAD compares: East Asian, 0.0024%; no homozygotes.

Submission:

Labcorp Genetics (formerly Invitae), Labcorp
Classification: Uncertain significance. Last evaluated: 2022-06-20. Review status: criteria provided, single submitter. Criteria: Invitae Variant Classification Sherloc (09022015). Collection method: clinical testing. Allele origin: germline.
Comment: This sequence change replaces arginine, which is basic and polar, with glutamine, which is neutral and polar, at codon 1358 of the CARMIL2 protein (p.Arg1358Gln). The frequency data for this variant in the population databases is considered unreliable, as metrics indicate poor data quality at this position in the gnomAD database. This variant has not been reported in the literature in individuals affected with CARMIL2-related conditions. Algorithms developed to predict the effect of missense changes on protein structure and function are either unavailable or do not agree on the potential impact of this missense change (SIFT: "Tolerated"; PolyPhen-2: "Probably Damaging"; Align-GVGD: "Class C0"). In summary, the available evidence is currently insufficient to determine the role of this variant in disease. Therefore, it has been classified as a Variant of Uncertain Significance.

NM_001013838.3(CARMIL2):c.4073G>A (p.Arg1358Gln)

Gene: CARMIL2 (capping protein regulator and myosin 1 linker 2; plus strand). Cytogenetic location: 16q22.1.
Variant type: single nucleotide variant.
Coding change: c.4073G>A on transcript NM_001013838.3 (MANE Select); coding-DNA position 4073, G replaced by A.
Protein change: p.Arg1358Gln; replaces arginine 1358 with glutamine.
Molecular consequence: missense variant. On other transcripts: intron variant (1).
Genome position (GRCh38, 1-based): chr16:67,656,837, G>A. VCF-style: chr16-67656837-G-A. GRCh37 (hg19) VCF-style: chr16-67690740-G-A.
Other names: c.3928+192G>A (NM_001317026.3); short protein forms R1358Q.
Identifiers: ClinVar variation 1492847 (VCV001492847.5), dbSNP rs762083223, ClinGen allele CA283214296.